The following is an entry in ClinVar:

NC_000006.11:g.(?_76527265)_(76542684_?)dup

Gene: MYO6 (myosin VI; plus strand). Cytogenetic location: 6q14.1.
Variant type: Duplication.
Identifiers: ClinVar variation 1411323 (VCV001411323.6).

ClinVar aggregate classification (germline): Uncertain significance (1 of 4 stars; one submission).

Submission:

Labcorp Genetics (formerly Invitae), Labcorp
Classification: Uncertain significance. Last evaluated: 2021-03-31. Review status: criteria provided, single submitter. Criteria: Invitae Variant Classification Sherloc (09022015). Collection method: clinical testing. Allele origin: germline.
Comment: In summary, the available evidence is currently insufficient to determine the role of this variant in disease. Therefore, it has been classified as a Variant of Uncertain Significance. This variant has been observed in individual(s) with clinical features of MYO6-related conditions (Invitae). This variant results in a copy number gain of the genomic region encompassing exon(s) 2-6 of the MYO6 gene. This region includes the initiator codon of the gene. The 5' end of this event is unknown as it extends beyond the assayed region for this gene and therefore may encompass additional genes. The 3' boundary is likely confined to intron 6 of the MYO6 gene. As the precise location of this event is unknown, it may be in tandem or it may be located elsewhere in the genome.